The following is an entry in ClinVar:

NM_007078.3(LDB3):c.1858-7C>G

Gene: LDB3 (LIM domain binding 3; plus strand). Cytogenetic location: 10q23.2.
Variant type: single nucleotide variant.
Coding change: c.1858-7C>G on transcript NM_007078.3 (MANE Select); 7 bases into the intron before coding-DNA position 1858, C replaced by G.
Molecular consequence: intron variant.
Genome position (GRCh38, 1-based): chr10:86,718,720, C>G. VCF-style: chr10-86718720-C-G. GRCh37 (hg19) VCF-style: chr10-88478477-C-G.
Other names: c.1858-7C>G (LRG_385t1); c.1669-7C>G (NM_001368064.1, NM_001368065.1); c.1873-7C>G (NM_001171610.2); c.1717-7C>G (NM_001368066.1); c.1528-7C>G (NM_001080114.2).
Identifiers: ClinVar variation 379776 (VCV000379776.2), dbSNP rs1057520727, ClinGen allele CA16606716.
Genomic context (GRCh38, chr10:86,718,720, plus strand): 5'-GCCTGGTGGGGTAGTCAAGCCCGCTCCCTCTCTCCTTTCTGTCCTGAGCTTAGGCTCTTT[C>G]CCCCAGGAAGTAATGCATGCCTTGAGACAGACATGGCACACCACCTGCTTCGTCTGTGCG-3'

ClinVar aggregate classification (germline): Conflicting classifications of pathogenicity. Review status: criteria provided, conflicting classifications (1 of 4 stars). 2 submissions from 2 submitters: Uncertain significance (1); Likely benign (1). Last evaluated 2025-07-08.

Conditions:
Myofibrillar myopathy 4. Also called: Zaspopathy (type). Identifiers: Orphanet 98912, MedGen C4721886, MONDO:0012277, OMIM 609452.

gnomAD v4.1: 2 of 1,614,140 alleles (0.00012%); highest among the groups gnomAD compares: Non-Finnish European, 0.00017%; no homozygotes.

Submissions (2):

Labcorp Genetics (formerly Invitae), Labcorp
Classification: Uncertain significance for Myofibrillar myopathy 4. Last evaluated: 2025-07-08. Review status: criteria provided, single submitter. Criteria: Invitae Variant Classification Sherloc (09022015). Collection method: clinical testing. Allele origin: germline.
Comment: The LDB3 gene has multiple clinically relevant transcripts. This variant occurs in alternate transcript NM_007078.3, and corresponds to NM_001080116.1:c.*19346C>G in the primary transcript. This sequence change falls in intron 11 of the LDB3 gene. It does not directly change the encoded amino acid sequence of the LDB3 protein. This variant is not present in population databases (gnomAD no frequency). This variant has not been reported in the literature in individuals affected with LDB3-related conditions. In summary, the available evidence is currently insufficient to determine the role of this variant in disease. Therefore, it has been classified as a Variant of Uncertain Significance.

GeneDx
Classification: Likely benign. Last evaluated: 2015-05-27. Review status: criteria provided, single submitter. Criteria: GeneDx Variant Classification (06012015). Collection method: clinical testing. Allele origin: germline. Affected: yes.
Comment: This variant is considered likely benign or benign based on one or more of the following criteria: it is a conservative change, it occurs at a poorly conserved position in the protein, it is predicted to be benign by multiple in silico algorithms, and/or has population frequency not consistent with disease.